The following is an entry in ClinVar:

ClinVar aggregate classification (germline): Uncertain significance (1 of 4 stars; one submission).

Conditions:
Hereditary cancer-predisposing syndrome. Also called: Tumor predisposition; Neoplastic Syndromes, Hereditary; Hereditary neoplastic syndrome; Hereditary Cancer Syndrome. Identifiers: Orphanet 140162, MedGen C0027672, MeSH D009386, MONDO:0015356.

Submission:

Ambry Genetics
Classification: Uncertain significance for Hereditary cancer-predisposing syndrome. Last evaluated: 2024-10-27. Review status: criteria provided, single submitter. Criteria: Ambry Variant Classification Scheme 2023. Collection method: clinical testing. Allele origin: germline.
Comment: The p.Q833L variant (also known as c.2498A>T), located in coding exon 17 of the TSC1 gene, results from an A to T substitution at nucleotide position 2498. The glutamine at codon 833 is replaced by leucine, an amino acid with dissimilar properties. This amino acid position is conserved. In addition, this alteration is predicted to be tolerated by in silico analysis. Based on the available evidence, the clinical significance of this variant remains unclear.

NM_000368.5(TSC1):c.2498A>T (p.Gln833Leu)

Gene: TSC1 (TSC complex subunit 1; minus strand). Cytogenetic location: 9q34.13.
Variant type: single nucleotide variant.
Coding change: c.2498A>T on transcript NM_000368.5 (MANE Select); coding-DNA position 2498, A replaced by T.
Protein change: p.Gln833Leu; replaces glutamine 833 with leucine.
Molecular consequence: missense variant. On other transcripts: non-coding transcript variant (5), intron variant (8).
Genome position (GRCh38, 1-based): chr9:132,901,593, T>A on the plus strand (A>T on the coding strand, the complement: TSC1 is on the minus strand). VCF-style: chr9-132901593-T-A. GRCh37 (hg19) VCF-style: chr9-135776980-T-A.
Other names: c.2495A>T, p.Gln832Leu (NM_001162426.2, NM_001406597.1, NM_001406598.1 and 2 more transcripts); c.2345A>T, p.Gln782Leu (NM_001162427.2, NM_001406610.1); c.2135A>T, p.Gln712Leu (NM_001362177.2, NM_001406614.1, NM_001406615.1 and 4 more transcripts); c.2498A>T, p.Gln833Leu (NM_001406592.1, NM_001406593.1, NM_001406594.1 and 2 more transcripts); c.2483A>T, p.Gln828Leu (NM_001406601.1, NM_001406602.1); c.2480A>T, p.Gln827Leu (NM_001406603.1, NM_001406604.1); c.2342A>T, p.Gln781Leu (NM_001406611.1, NM_001406612.1); c.2132A>T, p.Gln711Leu (NM_001406620.1, NM_001406621.1, NM_001406622.1 and 1 more transcripts); and 8 more; short protein forms Q482L, Q515L, Q711L, Q828L, Q833L, Q516L, Q781L, Q782L.
Identifiers: ClinVar variation 3462431 (VCV003462431.1).
Genomic context (GRCh38, chr9:132,901,593, plus strand): 5'-AAGAATGTTAGCAAATGGTGTTTCAGCAGATTCAGGTCTGCCTCATTTCTTCTTACCTTT[T>A]GGGAAACCTGACTGAGCAGCAGCTCAGTGTGACACACCTTGTTGTTGGCCTTCTTCAGTT-3'
Protein context (NP_000359.1, residues 823-843): HTELLLSQVS[Gln833Leu]KLSNSESVQQ